The following is an entry in ClinVar:

ClinVar aggregate classification (germline): Uncertain significance (1 of 4 stars; one submission).

Conditions:
Long QT syndrome (LQTS). Identifiers: MedGen C0023976, MeSH D008133, MONDO:0002442. Disease mechanism: loss of function. Inheritance: Various modes of inheritance.

Submission:

Labcorp Genetics (formerly Invitae), Labcorp
Classification: Uncertain significance for Long QT syndrome. Last evaluated: 2025-04-20. Review status: criteria provided, single submitter. Criteria: Invitae Variant Classification Sherloc (09022015). Collection method: clinical testing. Allele origin: germline.
Comment: This sequence change replaces valine, which is neutral and non-polar, with methionine, which is neutral and non-polar, at codon 482 of the KCNH2 protein (p.Val482Met). This variant is not present in population databases (gnomAD no frequency). This variant has not been reported in the literature in individuals affected with KCNH2-related conditions. An algorithm developed to predict the effect of missense changes on protein structure and function (PolyPhen-2) suggests that this variant is likely to be disruptive. In summary, the available evidence is currently insufficient to determine the role of this variant in disease. Therefore, it has been classified as a Variant of Uncertain Significance.

NM_000238.4(KCNH2):c.1444G>A (p.Val482Met)

Gene: KCNH2 (potassium voltage-gated channel subfamily H member 2; minus strand). Cytogenetic location: 7q36.1.
Variant type: single nucleotide variant.
Coding change: c.1444G>A on transcript NM_000238.4 (MANE Select); coding-DNA position 1444, G replaced by A.
Protein change: p.Val482Met; replaces valine 482 with methionine.
Molecular consequence: missense variant. On other transcripts: non-coding transcript variant (2).
Genome position (GRCh38, 1-based): chr7:150,952,538, C>T on the plus strand (G>A on the coding strand, the complement: KCNH2 is on the minus strand). VCF-style: chr7-150952538-C-T. GRCh37 (hg19) VCF-style: chr7-150649626-C-T.
Other names: c.424G>A, p.Val142Met (NM_001204798.2, NM_172057.3); c.1156G>A, p.Val386Met (NM_001406753.1, NM_001406756.1); c.1267G>A, p.Val423Met (NM_001406755.1); c.1144G>A, p.Val382Met (NM_001406757.1); c.1444G>A, p.Val482Met (NM_172056.3); short protein forms V142M, V382M, V386M, V423M, V482M.
Identifiers: ClinVar variation 4807793 (VCV004807793.1).